The following is an entry in ClinVar:

ClinVar aggregate classification (germline): Uncertain significance (1 of 4 stars; one submission).

Conditions:
Tatton-Brown-Rahman overgrowth syndrome. Also called: Tatton-Brown-Rahman syndrome; Tall stature-intellectual disability-facial dysmorphism syndrome. Identifiers: Orphanet 404443, MedGen C4014545, MONDO:0014382, OMIM 615879.

Allele frequency attached by ClinVar (database versions not stated): gnomAD exomes below 0.00001.
gnomAD v4.1: 1 of 1,614,028 alleles (0.000062%); highest among the groups gnomAD compares: Middle Eastern, 0.016%; no homozygotes.

Submission:

Labcorp Genetics (formerly Invitae), Labcorp
Classification: Uncertain significance for Tatton-Brown-Rahman overgrowth syndrome. Last evaluated: 2022-01-02. Review status: criteria provided, single submitter. Criteria: Invitae Variant Classification Sherloc (09022015). Collection method: clinical testing. Allele origin: germline.
Comment: This variant is not present in population databases (gnomAD no frequency). This sequence change replaces arginine, which is basic and polar, with glutamine, which is neutral and polar, at codon 597 of the DNMT3A protein (p.Arg597Gln). This variant has not been reported in the literature in individuals affected with DNMT3A-related conditions. Algorithms developed to predict the effect of missense changes on protein structure and function are either unavailable or do not agree on the potential impact of this missense change (SIFT: "Deleterious"; PolyPhen-2: "Possibly Damaging"; Align-GVGD: "Class C0"). Algorithms developed to predict the effect of sequence changes on RNA splicing suggest that this variant may create or strengthen a splice site. In summary, the available evidence is currently insufficient to determine the role of this variant in disease. Therefore, it has been classified as a Variant of Uncertain Significance.

NM_022552.5(DNMT3A):c.1790G>A (p.Arg597Gln)

Gene: DNMT3A (DNA methyltransferase 3 alpha; minus strand). Cytogenetic location: 2p23.3.
Variant type: single nucleotide variant.
Coding change: c.1790G>A on transcript NM_022552.5 (MANE Select); coding-DNA position 1790, G replaced by A.
Protein change: p.Arg597Gln; replaces arginine 597 with glutamine.
Molecular consequence: missense variant. On other transcripts: non-coding transcript variant (1).
Genome position (GRCh38, 1-based): chr2:25,244,216, C>T on the plus strand (G>A on the coding strand, the complement: DNMT3A is on the minus strand). VCF-style: chr2-25244216-C-T. GRCh37 (hg19) VCF-style: chr2-25467085-C-T.
Other names: c.1334G>A, p.Arg445Gln (NM_001320893.1); c.1121G>A, p.Arg374Gln (NM_001375819.1); c.1223G>A, p.Arg408Gln (NM_153759.3); c.1790G>A, p.Arg597Gln (NM_175629.2); short protein forms R408Q, R374Q, R597Q, R445Q.
Identifiers: ClinVar variation 2161494 (VCV002161494.4), dbSNP rs2465469683, ClinGen allele CA346071778.